The following is an entry in ClinVar:

NM_005260.7(GDF9):c.1250C>T (p.Pro417Leu)

Gene: GDF9 (growth differentiation factor 9; minus strand). Cytogenetic location: 5q31.1.
Variant type: single nucleotide variant.
Coding change: c.1250C>T on transcript NM_005260.7 (MANE Select); coding-DNA position 1250, C replaced by T.
Protein change: p.Pro417Leu; replaces proline 417 with leucine.
Molecular consequence: missense variant.
Genome position (GRCh38, 1-based): chr5:132,861,704, G>A on the plus strand (C>T on the coding strand, the complement: GDF9 is on the minus strand). VCF-style: chr5-132861704-G-A. GRCh37 (hg19) VCF-style: chr5-132197396-G-A.
Other names: c.986C>T, p.Pro329Leu (NM_001288824.4, NM_001288825.4, NM_001288826.3 and 2 more transcripts); c.1250C>T (NM_005260.3); short protein forms P329L, P417L.
Identifiers: ClinVar variation 3045310 (VCV003045310.3), dbSNP rs140742945, ClinGen allele CA3408143.

ClinVar aggregate classification (germline): Uncertain significance. Review status: criteria provided, single submitter (1 of 4 stars). 2 submissions from 2 submitters: Uncertain significance (1). 1 of the submissions does not count toward it. Last evaluated 2025-03-07.

Conditions:
GDF9-related disorder. Also called: GDF9-related condition.

Allele frequency attached by ClinVar (database versions not stated): gnomAD exomes 0.00026; ExAC 0.00067; gnomAD 0.00189; ESP Exome Variant Server 0.00208; 1000 Genomes Project 30x 0.00219; 1000 Genomes Project 0.00220; TOPMed 0.00230.

Submissions (2):

GeneDx
Classification: Uncertain significance. Last evaluated: 2025-03-07. Review status: criteria provided, single submitter. Criteria: GeneDx Variant Classification Process June 2021. Collection method: clinical testing. Allele origin: germline. Affected: yes.
Comment: In silico analysis supports that this missense variant has a deleterious effect on protein structure/function; Variants in candidate genes are classified as variants of uncertain significance in accordance with ACMG guidelines (PMID: 25741868); This variant is associated with the following publications: (PMID: 38942181, 36099812)

PreventionGenetics, part of Exact Sciences
Classification: Likely benign for GDF9-related condition. Last evaluated: 2019-10-04. Review status: no assertion criteria provided. Collection method: clinical testing. Allele origin: germline. Not counted in ClinVar's aggregate classification.
Comment: This variant is classified as likely benign based on ACMG/AMP sequence variant interpretation guidelines (Richards et al. 2015 PMID: 25741868, with internal and published modifications).